The following is an entry in ClinVar:

NM_144631.6(ZNF513):c.278G>T (p.Arg93Leu)

Gene: ZNF513 (zinc finger protein 513; minus strand). Cytogenetic location: 2p23.3.
Variant type: single nucleotide variant.
Coding change: c.278G>T on transcript NM_144631.6 (MANE Select); coding-DNA position 278, G replaced by T.
Protein change: p.Arg93Leu; replaces arginine 93 with leucine.
Molecular consequence: missense variant.
Genome position (GRCh38, 1-based): chr2:27,378,988, C>A on the plus strand (G>T on the coding strand, the complement: ZNF513 is on the minus strand). VCF-style: chr2-27378988-C-A. GRCh37 (hg19) VCF-style: chr2-27601855-C-A.
Other names: c.92G>T, p.Arg31Leu (NM_001201459.2); short protein forms R93L, R31L.
Identifiers: ClinVar variation 3004154 (VCV003004154.4), dbSNP rs746787789, ClinGen allele CA346218697.

ClinVar aggregate classification (germline): Uncertain significance. Review status: criteria provided, multiple submitters, no conflicts (2 of 4 stars). 2 submissions from 2 submitters: Uncertain significance (2). Last evaluated 2024-09-06.

Submissions (2):

Labcorp Genetics (formerly Invitae), Labcorp
Classification: Uncertain significance. Last evaluated: 2024-09-06. Review status: criteria provided, single submitter. Criteria: Invitae Variant Classification Sherloc (09022015). Collection method: clinical testing. Allele origin: germline.
Comment: This sequence change replaces arginine, which is basic and polar, with leucine, which is neutral and non-polar, at codon 93 of the ZNF513 protein (p.Arg93Leu). The frequency data for this variant in the population databases is considered unreliable, as metrics indicate poor data quality at this position in the gnomAD database. This variant has not been reported in the literature in individuals affected with ZNF513-related conditions. An algorithm developed to predict the effect of missense changes on protein structure and function (PolyPhen-2) suggests that this variant is likely to be tolerated. In summary, the available evidence is currently insufficient to determine the role of this variant in disease. Therefore, it has been classified as a Variant of Uncertain Significance.

Blueprint Genetics
Classification: Uncertain significance. Last evaluated: 2023-07-31. Review status: criteria provided, single submitter. Criteria: ACMG Guidelines, 2015. Collection method: clinical testing. Allele origin: germline.